The following is an entry in ClinVar:

NM_000489.6(ATRX):c.3409A>G (p.Arg1137Gly)

Gene: ATRX (ATRX chromatin remodeler; minus strand). Cytogenetic location: Xq21.1.
Variant type: single nucleotide variant.
Coding change: c.3409A>G on transcript NM_000489.6 (MANE Select); coding-DNA position 3409, A replaced by G.
Protein change: p.Arg1137Gly; replaces arginine 1137 with glycine.
Molecular consequence: missense variant.
Genome position (GRCh38, 1-based): chrX:77,681,847, T>C on the plus strand (A>G on the coding strand, the complement: ATRX is on the minus strand). VCF-style: chrX-77681847-T-C. GRCh37 (hg19) VCF-style: chrX-76937339-T-C.
Other names: c.3295A>G, p.Arg1099Gly (NM_138270.5); short protein forms R1099G, R1137G.
Identifiers: ClinVar variation 1349930 (VCV001349930.5), dbSNP rs2148574004, ClinGen allele CA413706591.
Genomic context (GRCh38, chrX:77,681,847, plus strand): 5'-CAGATGATGATGAGCCACTTTGTATTTCCTTAGTATTTCTCTTTGAACTTAAATTTCTTC[T>C]TTCCCTCAATTCTATTCTTTTCAGTCTCTTATCAGAAGAGTTACAACCATCTTCTTTCAT-3'
Protein context (NP_000480.3, residues 1127-1147): KRLKRIELRE[Arg1137Gly]RNLSSKRNTK

ClinVar aggregate classification (germline): Uncertain significance (1 of 4 stars; one submission).

Conditions:
Alpha thalassemia-X-linked intellectual disability syndrome (ATRX). Also called: ATR-X syndrome; Alpha thalassemia mental retardation syndrome, nondeletion type, X-linked; XLMR hypotonic face syndrome; X-linked alpha-thalassemia-mental retardation syndrome; ALPHA-THALASSEMIA/IMPAIRED INTELLECTUAL DEVELOPMENT SYNDROME, X-LINKED; ALPHA-THALASSEMIA/MENTAL RETARDATION SYNDROME, X-LINKED. Identifiers: Orphanet 847, MedGen C1845055, MONDO:0010519, OMIM 301040.

Submission:

Labcorp Genetics (formerly Invitae), Labcorp
Classification: Uncertain significance for Alpha thalassemia-X-linked intellectual disability syndrome. Last evaluated: 2022-04-20. Review status: criteria provided, single submitter. Criteria: Invitae Variant Classification Sherloc (09022015). Collection method: clinical testing. Allele origin: germline.
Comment: This sequence change replaces arginine, which is basic and polar, with glycine, which is neutral and non-polar, at codon 1137 of the ATRX protein (p.Arg1137Gly). This variant is not present in population databases (gnomAD no frequency). This variant has not been reported in the literature in individuals affected with ATRX-related conditions. Advanced modeling of protein sequence and biophysical properties (such as structural, functional, and spatial information, amino acid conservation, physicochemical variation, residue mobility, and thermodynamic stability) performed at Invitae indicates that this missense variant is not expected to disrupt ATRX protein function. In summary, the available evidence is currently insufficient to determine the role of this variant in disease. Therefore, it has been classified as a Variant of Uncertain Significance.